The following is an entry in ClinVar:

ClinVar aggregate classification (germline): Uncertain significance (1 of 4 stars; one submission).

Conditions:
Colorectal cancer, susceptibility to, 12 (CRCS12). Also called: COLORECTAL CANCER, SUSCEPTIBILITY TO, ON CHROMOSOME 12q24. Identifiers: Orphanet 220460, MedGen C3554460, MONDO:0014038, OMIM 615083.

Submission:

Labcorp Genetics (formerly Invitae), Labcorp
Classification: Uncertain significance for Colorectal cancer, susceptibility to, 12. Last evaluated: 2019-12-23. Review status: criteria provided, single submitter. Criteria: Invitae Variant Classification Sherloc (09022015). Collection method: clinical testing. Allele origin: germline.
Comment: This variant is a gross duplication of the genomic region encompassing exons 1-45 of the POLE gene. The 5' end of this event is unknown as it extends beyond the assayed region for this gene and therefore may encompass additional genes. The 3' boundary is likely confined to intron 45 of the POLE gene. The exact location of this variant in the genome is unknown. This variant has not been reported in the literature in individuals with a POLE-related disease. In summary, the genomic location of this duplication is unknown and the impact of this variant on POLE protein function has not been established. Therefore, it has been classified as a Variant of Uncertain Significance.

NC_000012.12:g.(?_132632305)_(132687315_?)dup

Gene: POLE (DNA polymerase epsilon, catalytic subunit; minus strand). Cytogenetic location: 12q24.33.
Variant type: Duplication.
Identifiers: ClinVar variation 832935 (VCV000832935.2).